The following is an entry in ClinVar:

NM_000497.4(CYP11B1):c.1157C>T (p.Ala386Val)

Genes: CYP11B1 (cytochrome P450 family 11 subfamily B member 1; minus strand), LOC106799833 (CYP11B1 recombination region; plus strand). Cytogenetic location: 8q24.3.
Variant type: single nucleotide variant.
Coding change: c.1157C>T on transcript NM_000497.4 (MANE Select); coding-DNA position 1157, C replaced by T.
Protein change: p.Ala386Val; replaces alanine 386 with valine.
Molecular consequence: missense variant.
Genome position (GRCh38, 1-based): chr8:142,875,277, G>A on the plus strand (C>T on the coding strand, the complement: CYP11B1 is on the minus strand). VCF-style: chr8-142875277-G-A. GRCh37 (hg19) VCF-style: chr8-143956693-G-A.
Other names: c.1157C>T, p.Ala386Val (NM_001026213.1); short protein forms A386V.
Identifiers: ClinVar variation 362149 (VCV000362149.22), dbSNP rs4541, ClinGen allele CA4905091.

ClinVar aggregate classification (germline): Benign. Review status: criteria provided, multiple submitters, no conflicts (2 of 4 stars). 8 submissions from 7 submitters: Benign (8). Last evaluated 2026-02-04.

Conditions:
Glucocorticoid-remediable aldosteronism. Also called: Hyperaldosteronism, familial, type I; FH I; GLUCOCORTICOID-SUPPRESSIBLE HYPERALDOSTERONISM; ACTH-DEPENDENT HYPERALDOSTERONISM SYNDROME; ALDOSTERONISM, SENSITIVE TO DEXAMETHASONE. Identifiers: Orphanet 403, MedGen C3838731, MONDO:0007080, OMIM 103900.
Deficiency of steroid 11-beta-monooxygenase (CYP11B1). Also called: ADRENAL HYPERPLASIA, CONGENITAL, DUE TO STEROID 11-BETA-HYDROXYLASE DEFICIENCY; STEROID 11-BETA-HYDROXYLASE DEFICIENCY; ADRENAL HYPERPLASIA IV; Congenital adrenal hyperplasia due to 11-beta-hydroxylase deficiency; P450C11B1 DEFICIENCY; 11-BETA-HYDROXYLASE DEFICIENCY. Identifiers: Orphanet 90795, MedGen C0268292, MONDO:0008729, OMIM 202010. Disease mechanism: loss of function.

Allele frequency attached by ClinVar (database versions not stated): ESP Exome Variant Server 0.02445; gnomAD 0.04552 and 0.05394; 1000 Genomes Project 30x 0.14491.
gnomAD v4.1: 65,593 of 1,603,440 alleles (4.1%); highest among the groups gnomAD compares: East Asian, 43%; 6,424 homozygotes.

Submissions (10):

Labcorp Genetics (formerly Invitae), Labcorp
Classification: Benign. Last evaluated: 2026-02-04. Review status: criteria provided, single submitter. Criteria: Invitae Variant Classification Sherloc (09022015). Collection method: clinical testing. Allele origin: germline.

Athena Diagnostics
Classification: Benign. Last evaluated: 2025-01-13. Review status: criteria provided, single submitter. Criteria: Athena Diagnostics Criteria. Collection method: clinical testing. Allele origin: unknown.
Comment: The frequency of this variant in the general population is higher than would generally be expected for pathogenic variants in this gene.

Blueprint Genetics
Classification: Benign. Last evaluated: 2024-11-27. Review status: criteria provided, single submitter. Criteria: ACMG Guidelines, 2015. Collection method: clinical testing. Allele origin: germline.

Mayo Clinic Laboratories, Mayo Clinic
Classification: Benign. Last evaluated: 2022-07-06. Review status: criteria provided, single submitter. Criteria: ACMG Guidelines, 2015. Collection method: clinical testing. Allele origin: germline. Observed: 31 variant alleles.

Department of Human Genetics, Laborarztpraxis Dres. Walther, Weindel und Kollegen
Classification: Benign for Deficiency of steroid 11-beta-monooxygenase. Last evaluated: 2020-04-20. Review status: criteria provided, single submitter. Criteria: ACMG Guidelines, 2015. Collection method: clinical testing. Allele origin: germline. Affected: yes.
Comment: This variant is classified as benign based on the following criteria: it is predicted to be benign by multiple in silico algorithms, and it has a population frequency not consistent with disease (carrier frequency in East Asian of about 40%) .

Illumina Laboratory Services, Illumina
Classification: Benign for Glucocorticoid-remediable aldosteronism. Last evaluated: 2017-04-27. Review status: criteria provided, single submitter. Criteria: ICSL Variant Classification Criteria 13 December 2019. Collection method: clinical testing. Allele origin: germline.
Comment: This variant was observed as part of a predisposition screen in an ostensibly healthy population. A literature search was performed for the gene, cDNA change, and amino acid change (where applicable). Publications were found based on this search. The evidence from the literature, in combination with allele frequency data from public databases where available, was sufficient to rule this variant out of causing disease. Therefore, this variant is classified as benign.

Illumina Laboratory Services, Illumina
Classification: Benign for Deficiency of steroid 11-beta-monooxygenase. Last evaluated: 2017-04-27. Review status: criteria provided, single submitter. Criteria: ICSL Variant Classification Criteria 13 December 2019. Collection method: clinical testing. Allele origin: germline.
Comment: This variant was observed as part of a predisposition screen in an ostensibly healthy population. A literature search was performed for the gene, cDNA change, and amino acid change (where applicable). No publications were found based on this search. Allele frequency data from public databases was too high to be consistent with this variant causing disease. Therefore, this variant is classified as benign.

Breakthrough Genomics
Classification: Benign. Review status: criteria provided, single submitter. Criteria: ACMG Guidelines, 2015. Collection method: not provided. Allele origin: germline. Inheritance: Autosomal recessive inheritance. Affected: yes.

Dr. Peter K. Rogan Lab, Western University
No classification provided (evidence only). Condition: Acute myeloid leukemia. Review status: no classification provided. Collection method: in vitro. Allele origin: not applicable. Functional consequence: retained intron. Not counted in ClinVar's aggregate classification.

Dr. Peter K. Rogan Lab, Western University
No classification provided (evidence only). Condition: Sarcoma. Review status: no classification provided. Collection method: in vitro. Allele origin: not applicable. Functional consequence: retained intron. Not counted in ClinVar's aggregate classification.

Literature cited by the submitters: PubMed 15807871 (cited by Athena Diagnostics); PubMed 20089618 (cited by Athena Diagnostics); PubMed 23345044 (cited by Athena Diagnostics); PubMed 24658007 (cited by Athena Diagnostics); PubMed 20981092 (cited by Athena Diagnostics); PubMed 26956189 (cited by Athena Diagnostics); PubMed 26107677 (cited by Athena Diagnostics); PubMed 22465514 (cited by Illumina Laboratory Services, Illumina).